The following is an entry in ClinVar:

ClinVar aggregate classification (germline): Uncertain significance. Review status: criteria provided, multiple submitters, no conflicts (2 of 4 stars). 3 submissions from 3 submitters: Uncertain significance (3). Last evaluated 2026-05-26.

Conditions:
Cardiovascular phenotype. Identifiers: MedGen CN230736.
COL1A2-related disorder. Also called: COL1A2-related condition; COL1A2-Related Disorders.
Ehlers-Danlos syndrome, classic type, 1 (EDSCL1). Also called: EHLERS-DANLOS SYNDROME, GRAVIS TYPE; EHLERS-DANLOS SYNDROME, SEVERE CLASSIC TYPE; Ehlers-Danlos syndrome, type 1; Ehlers-Danlos Syndrome, Classic Type, COL5A1-Related; EDS I. Identifiers: MedGen C0268335, MONDO:0019567, OMIM 130000.
Osteogenesis imperfecta type I (OI1). Also called: OI, TYPE I; OSTEOGENESIS IMPERFECTA TARDA; OSTEOGENESIS IMPERFECTA WITH BLUE SCLERAE; Osteogenesis imperfecta type 1; Lobstein's Disease; Lobstein disease. Identifiers: Orphanet 216796, Orphanet 666, MedGen C0023931, MONDO:0008146, OMIM 166200. Disease mechanism: loss of function.

Allele frequency attached by ClinVar (database versions not stated): gnomAD exomes below 0.00001; gnomAD 0.00004 and 0.00003; TOPMed 0.00003; ExAC 0.00001.
gnomAD v4.1: 8 of 1,613,780 alleles (0.0005%); highest among the groups gnomAD compares: African/African-American, 0.0093%; no homozygotes.

Submissions (3):

Ambry Genetics
Classification: Uncertain significance for Cardiovascular phenotype. Last evaluated: 2026-05-26. Review status: criteria provided, single submitter. Criteria: Ambry Variant Classification Scheme 2023. Collection method: clinical testing. Allele origin: germline.

PreventionGenetics, part of Exact Sciences
Classification: Uncertain significance for COL1A2-related condition. Last evaluated: 2022-09-06. Review status: criteria provided, single submitter. Criteria: ACMG Guidelines, 2015. Collection method: clinical testing. Allele origin: germline.
Comment: The COL1A2 c.644C>T variant is predicted to result in the amino acid substitution p.Ala215Val. To our knowledge, this variant has not been reported in the literature. This variant is reported in 0.016% of alleles in individuals of African descent in gnomAD. At this time, the clinical significance of this variant is uncertain due to the absence of conclusive functional and genetic evidence.

Labcorp Genetics (formerly Invitae), Labcorp
Classification: Uncertain significance for Osteogenesis imperfecta type I; Ehlers-Danlos syndrome, classic type, 1. Last evaluated: 2022-01-19. Review status: criteria provided, single submitter. Criteria: Invitae Variant Classification Sherloc (09022015). Collection method: clinical testing. Allele origin: germline.
Comment: This sequence change replaces alanine, which is neutral and non-polar, with valine, which is neutral and non-polar, at codon 215 of the COL1A2 protein (p.Ala215Val). In summary, the available evidence is currently insufficient to determine the role of this variant in disease. Therefore, it has been classified as a Variant of Uncertain Significance. Advanced modeling of protein sequence and biophysical properties (such as structural, functional, and spatial information, amino acid conservation, physicochemical variation, residue mobility, and thermodynamic stability) performed at Invitae indicates that this missense variant is not expected to disrupt COL1A2 protein function. This variant has not been reported in the literature in individuals affected with COL1A2-related conditions. This variant is present in population databases (rs753438416, gnomAD 0.02%).

NM_000089.4(COL1A2):c.644C>T (p.Ala215Val)

Gene: COL1A2 (collagen type I alpha 2 chain; plus strand). Cytogenetic location: 7q21.3.
Variant type: single nucleotide variant.
Coding change: c.644C>T on transcript NM_000089.4 (MANE Select); coding-DNA position 644, C replaced by T.
Protein change: p.Ala215Val; replaces alanine 215 with valine.
Molecular consequence: missense variant.
Genome position (GRCh38, 1-based): chr7:94,408,187, C>T. VCF-style: chr7-94408187-C-T. GRCh37 (hg19) VCF-style: chr7-94037499-C-T.
Other names: c.644C>T (NM_000089.3); short protein forms A215V.
Identifiers: ClinVar variation 1416028 (VCV001416028.8), dbSNP rs753438416, ClinGen allele CA4346756.
Genomic context (GRCh38, chr7:94,408,187, plus strand): 5'-TGTGACTTTTTTTAAATTAGCATTCTGGATTTTATTGAAAATATTTCTGCTTCTAGGGAG[C>T]CCGTGGGCTTCCTGGTGAGAGAGGACGTGTTGGTGCCCCTGGCCCAGCTGTAAGTGCTTC-3'
Protein context (NP_000080.2, residues 205-225): GENGTPGQTG[Ala215Val]RGLPGERGRV